The following is an entry in ClinVar:

NM_001184.4(ATR):c.1327A>T (p.Arg443Ter)

Gene: ATR (ATR serine/threonine kinase; minus strand). Cytogenetic location: 3q23.
Variant type: single nucleotide variant.
Coding change: c.1327A>T on transcript NM_001184.4 (MANE Select); coding-DNA position 1327, A replaced by T.
Protein change: p.Arg443Ter; replaces arginine 443 with a stop codon.
Molecular consequence: nonsense.
Genome position (GRCh38, 1-based): chr3:142,561,265, T>A on the plus strand (A>T on the coding strand, the complement: ATR is on the minus strand). VCF-style: chr3-142561265-T-A. GRCh37 (hg19) VCF-style: chr3-142280107-T-A.
Other names: c.1327A>T, p.Arg443Ter (NM_001354579.2); short protein forms R443*.
Identifiers: ClinVar variation 1338581 (VCV001338581.4), dbSNP rs2108485039, ClinGen allele CA354823160.

ClinVar aggregate classification (germline): Likely pathogenic (1 of 4 stars; one submission).

Submission:

Genetic Services Laboratory, University of Chicago
Classification: Likely pathogenic. Last evaluated: 2020-04-22. Review status: criteria provided, single submitter. Criteria: ACMG Guidelines, 2015. Collection method: clinical testing. Allele origin: germline. Affected: yes.
Comment: DNA sequence analysis of the ATR gene demonstrated a sequence change, c.1327A>T, which results in the creation of a premature stop codon at amino acid position 443, p.Arg443*. This sequence change is predicted to result in an abnormal transcript, which may be degraded, or may lead to the production of a truncated ATR protein with potentially abnormal function. The p.Arg443* change is located in a domain of the ATR protein that is not known to be functional. This likely pathogenic sequence change does not appear to have previously been described in patients with ATR-related disorders and has also not been described in population databases (gnomAD, ExAC). These collective evidences indicate that this is a likely pathogenic sequence change, however functional studies have not been performed to prove this conclusively.